The following is an entry in ClinVar:

NM_017654.4(SAMD9):c.1820C>G (p.Ser607Cys)

Gene: SAMD9 (sterile alpha motif domain containing 9; minus strand). Cytogenetic location: 7q21.2.
Variant type: single nucleotide variant.
Coding change: c.1820C>G on transcript NM_017654.4 (MANE Select); coding-DNA position 1820, C replaced by G.
Protein change: p.Ser607Cys; replaces serine 607 with cysteine.
Molecular consequence: missense variant.
Genome position (GRCh38, 1-based): chr7:93,104,278, G>C on the plus strand (C>G on the coding strand, the complement: SAMD9 is on the minus strand). VCF-style: chr7-93104278-G-C. GRCh37 (hg19) VCF-style: chr7-92733591-G-C.
Other names: c.1820C>G, p.Ser607Cys (NM_001193307.2); short protein forms S607C.
Identifiers: ClinVar variation 2853582 (VCV002853582.3), dbSNP rs2535359765, ClinGen allele CA368194522.

ClinVar aggregate classification (germline): Uncertain significance (1 of 4 stars; one submission).

Submission:

Labcorp Genetics (formerly Invitae), Labcorp
Classification: Uncertain significance. Last evaluated: 2023-04-08. Review status: criteria provided, single submitter. Criteria: Invitae Variant Classification Sherloc (09022015). Collection method: clinical testing. Allele origin: germline.
Comment: This sequence change replaces serine, which is neutral and polar, with cysteine, which is neutral and slightly polar, at codon 607 of the SAMD9 protein (p.Ser607Cys). This variant is not present in population databases (gnomAD no frequency). This variant has not been reported in the literature in individuals affected with SAMD9-related conditions. Advanced modeling of protein sequence and biophysical properties (such as structural, functional, and spatial information, amino acid conservation, physicochemical variation, residue mobility, and thermodynamic stability) performed at Invitae indicates that this missense variant is not expected to disrupt SAMD9 protein function. In summary, the available evidence is currently insufficient to determine the role of this variant in disease. Therefore, it has been classified as a Variant of Uncertain Significance.